The following is an entry in ClinVar:

NM_006254.4(PRKCD):c.1040A>G (p.Asn347Ser)

Gene: PRKCD (protein kinase C delta; plus strand). Cytogenetic location: 3p21.1.
Variant type: single nucleotide variant.
Coding change: c.1040A>G on transcript NM_006254.4 (MANE Select); coding-DNA position 1040, A replaced by G.
Protein change: p.Asn347Ser; replaces asparagine 347 with serine.
Molecular consequence: missense variant.
Genome position (GRCh38, 1-based): chr3:53,185,981, A>G. VCF-style: chr3-53185981-A-G. GRCh37 (hg19) VCF-style: chr3-53219997-A-G.
Other names: c.1040A>G, p.Asn347Ser (NM_001316327.2, NM_001354679.2, NM_001354680.2 and 1 more transcripts); c.1097A>G, p.Asn366Ser (NM_001354676.2); c.1088A>G, p.Asn363Ser (NM_001354678.2); short protein forms N347S, N366S, N363S.
Identifiers: ClinVar variation 855612 (VCV000855612.5), dbSNP rs1553668944, ClinGen allele CA353221274.

ClinVar aggregate classification (germline): Uncertain significance (1 of 4 stars; one submission).

Conditions:
Autoimmune lymphoproliferative syndrome, type III caused by mutation in PRKCD. Identifiers: Orphanet 3261, Orphanet 664711, MedGen C3809928, MONDO:8000024, OMIM 615559.

Allele frequency attached by ClinVar (database versions not stated): gnomAD exomes below 0.00001.
gnomAD v4.1: 8 of 1,614,186 alleles (0.0005%); highest among the groups gnomAD compares: Middle Eastern, 0.016%; no homozygotes.

Submission:

Labcorp Genetics (formerly Invitae), Labcorp
Classification: Uncertain significance for Autoimmune lymphoproliferative syndrome, type III caused by mutation in PRKCD. Last evaluated: 2025-02-19. Review status: criteria provided, single submitter. Criteria: Invitae Variant Classification Sherloc (09022015). Collection method: clinical testing. Allele origin: germline.
Comment: This sequence change replaces asparagine, which is neutral and polar, with serine, which is neutral and polar, at codon 347 of the PRKCD protein (p.Asn347Ser). This variant is present in population databases (no rsID available, gnomAD no frequency). This variant has not been reported in the literature in individuals affected with PRKCD-related conditions. ClinVar contains an entry for this variant (Variation ID: 855612). An algorithm developed to predict the effect of missense changes on protein structure and function (PolyPhen-2) suggests that this variant is likely to be tolerated. In summary, the available evidence is currently insufficient to determine the role of this variant in disease. Therefore, it has been classified as a Variant of Uncertain Significance.